The following is an entry in ClinVar:

NM_130839.5(UBE3A):c.130G>A (p.Glu44Lys)

Genes: SNHG14 (small nucleolar RNA host gene 14; plus strand), UBE3A (ubiquitin protein ligase E3A; minus strand). Cytogenetic location: 15q11.2.
Variant type: single nucleotide variant.
Coding change: c.130G>A on transcript NM_130839.5 (MANE Select); coding-DNA position 130, G replaced by A.
Protein change: p.Glu44Lys; replaces glutamic acid 44 with lysine.
Molecular consequence: missense variant. On other transcripts: 5 prime UTR variant (1), non-coding transcript variant (1).
Genome position (GRCh38, 1-based): chr15:25,375,696, C>T on the plus strand (G>A on the coding strand, the complement: UBE3A is on the minus strand). VCF-style: chr15-25375696-C-T. GRCh37 (hg19) VCF-style: chr15-25620843-C-T.
Other names: c.139G>A, p.Glu47Lys (NM_000462.5); c.130G>A, p.Glu44Lys (NM_001354505.1, NM_001354538.2, NM_001354545.2 and 1 more transcripts); c.70G>A, p.Glu24Lys (NM_001354506.2, NM_001354507.2, NM_001354508.2 and 18 more transcripts); c.-48G>A (NM_001354546.2); short protein forms E24K, E44K, E47K.
Identifiers: ClinVar variation 521714 (VCV000521714.5), dbSNP rs1555403204, ClinGen allele CA391356572.

ClinVar aggregate classification (germline): Uncertain significance. Review status: criteria provided, multiple submitters, no conflicts (2 of 4 stars). 2 submissions from 2 submitters: Uncertain significance (2). Last evaluated 2022-06-16.

Conditions:
Inborn genetic diseases. Identifiers: MedGen C0950123, MeSH D030342.

Submissions (2):

GeneDx
Classification: Uncertain significance. Last evaluated: 2022-06-16. Review status: criteria provided, single submitter. Criteria: GeneDx Variant Classification Process June 2021. Collection method: clinical testing. Allele origin: germline. Affected: yes.
Comment: Not observed at significant frequency in large population cohorts (gnomAD); In silico analysis supports that this missense variant does not alter protein structure/function; Has not been previously published as pathogenic or benign to our knowledge

Ambry Genetics
Classification: Uncertain significance for Inborn genetic diseases. Last evaluated: 2017-05-09. Review status: criteria provided, single submitter. Criteria: Ambry exome assertion method (8-5-2015). Collection method: clinical testing. Allele origin: germline. Affected: yes. Observed: 1 variant allele.